The following is an entry in ClinVar:

NM_012472.6(DNAAF11):c.653+5G>A

Gene: DNAAF11 (dynein axonemal assembly factor 11; minus strand). Cytogenetic location: 8q24.22.
Variant type: single nucleotide variant.
Coding change: c.653+5G>A on transcript NM_012472.6 (MANE Select); 5 bases into the intron after coding-DNA position 653, G replaced by A.
Molecular consequence: intron variant.
Genome position (GRCh38, 1-based): chr8:132,632,735, C>T on the plus strand (G>A on the coding strand, the complement: DNAAF11 is on the minus strand). VCF-style: chr8-132632735-C-T. GRCh37 (hg19) VCF-style: chr8-133644981-C-T.
Other names: c.407+5G>A (NM_001321962.2); c.653+5G>A (NM_001321961.2); c.293+5G>A (NM_001321966.2, NM_001321963.2, NM_001321964.2 and 1 more transcripts).
Identifiers: ClinVar variation 4532091 (VCV004532091.2).

ClinVar aggregate classification (germline): Likely pathogenic (1 of 4 stars; one submission).

Conditions:
Primary ciliary dyskinesia 19. Also called: CILIARY DYSKINESIA, PRIMARY, 19, WITH OR WITHOUT SITUS INVERSUS. Identifiers: Orphanet 244, MedGen C3543826, MONDO:0013979, OMIM 614935.

gnomAD v4.1: 2 of 1,593,114 alleles (0.00013%); highest among the groups gnomAD compares: Non-Finnish European, 0.00017%; no homozygotes.

Submission:

Victorian Clinical Genetics Services, Murdoch Childrens Research Institute
Classification: Likely pathogenic for Primary ciliary dyskinesia 19. Last evaluated: 2026-03-17. Review status: criteria provided, single submitter. Criteria: ACMG Guidelines, 2015. Collection method: clinical testing. Allele origin: germline. Affected: yes.
Comment: This variant is classified as Likely pathogenic. Evidence in support of pathogenic classification: Non-canonical splice site variant without proven consequence on splicing (no functional evidence available); Variant is present in gnomAD <0.01 for a recessive condition (v4: 2 heterozygote(s), 0 homozygote(s)) ; Abnormal splicing is predicted by in silico tool and affected nucleotide is highly conserved; Heterozygous variant detected in trans with a second LIKELY PATHOGENIC heterozygous variant (NM_012472.6(DNAAF11):c.299T>C; p.(Ile100Thr)) in a recessive disease. Additional information: This variant is heterozygous; This gene is associated with autosomal recessive disease; This variant has no previous evidence of pathogenicity; No published segregation evidence has been identified for this variant; No published functional evidence has been identified for this variant; No comparable splice variants have previous evidence for pathogenicity; Loss of function is a known mechanism of disease in this gene and is associated with ciliary dyskinesia, primary, 19 (MIM#614935).